The following is an entry in ClinVar:

ClinVar aggregate classification (germline): Uncertain significance. Review status: criteria provided, multiple submitters, no conflicts (2 of 4 stars). 2 submissions from 2 submitters: Uncertain significance (2). Last evaluated 2023-06-10.

Conditions:
Hereditary cancer-predisposing syndrome. Also called: Hereditary Cancer Syndrome; Tumor predisposition; Hereditary neoplastic syndrome; Neoplastic Syndromes, Hereditary. Identifiers: Orphanet 140162, MedGen C0027672, MeSH D009386, MONDO:0015356.
Ataxia-telangiectasia syndrome (AT). Also called: ATAXIA-TELANGIECTASIA, FRESNO VARIANT; Ataxia-telangiectasia, complementation group E; ATAXIA-TELANGIECTASIA, COMPLEMENTATION GROUP A; LOUIS-BAR SYNDROME; Ataxia-telangiectasia, complementation group D; AT, COMPLEMENTATION GROUP C. Identifiers: Orphanet 100, MedGen C0004135, MONDO:0008840, OMIM 208900.

Submissions (2):

Ambry Genetics
Classification: Uncertain significance for Hereditary cancer-predisposing syndrome. Last evaluated: 2023-06-10. Review status: criteria provided, single submitter. Criteria: Ambry Variant Classification Scheme 2023. Collection method: clinical testing. Allele origin: germline.
Comment: The p.L275F variant (also known as c.825A>T), located in coding exon 6 of the ATM gene, results from an A to T substitution at nucleotide position 825. The leucine at codon 275 is replaced by phenylalanine, an amino acid with highly similar properties. This amino acid position is conserved. In addition, the in silico prediction for this alteration is inconclusive. Since supporting evidence is limited at this time, the clinical significance of this alteration remains unclear.

Labcorp Genetics (formerly Invitae), Labcorp
Classification: Uncertain significance for Ataxia-telangiectasia syndrome. Last evaluated: 2022-05-09. Review status: criteria provided, single submitter. Criteria: Invitae Variant Classification Sherloc (09022015). Collection method: clinical testing. Allele origin: germline.
Comment: In summary, the available evidence is currently insufficient to determine the role of this variant in disease. Therefore, it has been classified as a Variant of Uncertain Significance. Advanced modeling of protein sequence and biophysical properties (such as structural, functional, and spatial information, amino acid conservation, physicochemical variation, residue mobility, and thermodynamic stability) performed at Invitae indicates that this missense variant is not expected to disrupt ATM protein function. ClinVar contains an entry for this variant (Variation ID: 1053401). This variant has not been reported in the literature in individuals affected with ATM-related conditions. This variant is not present in population databases (gnomAD no frequency). This sequence change replaces leucine, which is neutral and non-polar, with phenylalanine, which is neutral and non-polar, at codon 275 of the ATM protein (p.Leu275Phe).

NM_000051.4(ATM):c.825A>T (p.Leu275Phe)

Gene: ATM (ATM serine/threonine kinase; plus strand). Cytogenetic location: 11q22.3.
Variant type: single nucleotide variant.
Coding change: c.825A>T on transcript NM_000051.4 (MANE Select); coding-DNA position 825, A replaced by T.
Protein change: p.Leu275Phe; replaces leucine 275 with phenylalanine.
Molecular consequence: missense variant.
Genome position (GRCh38, 1-based): chr11:108,244,950, A>T. VCF-style: chr11-108244950-A-T. GRCh37 (hg19) VCF-style: chr11-108115677-A-T.
Other names: c.825A>T (NM_000051.3); c.825A>T, p.Leu275Phe (NM_001351834.2); short protein forms L275F.
Identifiers: ClinVar variation 1053401 (VCV001053401.13), dbSNP rs2135242080, ClinGen allele CA382529427.
Genomic context (GRCh38, chr11:108,244,950, plus strand): 5'-AGATGAAATTCTTCCCACTTTGCTTTATATTTGGACTCAACATAGGCTTAATGATTCTTT[A>T]AAAGAAGTCATTATTGAATTATTTCAACTGCAAATTTATATCCATCATCCGAAAGGAGCC-3'
Protein context (NP_000042.3, residues 265-285): IWTQHRLNDS[Leu275Phe]KEVIIELFQL